The following is an entry in ClinVar:

ClinVar aggregate classification (germline): Uncertain significance (1 of 4 stars; one submission).

Conditions:
PLXNA4-related disorder. Also called: PLXNA4-related condition.

gnomAD v4.1: 272 of 1,613,994 alleles (0.017%); highest among the groups gnomAD compares: Non-Finnish European, 0.022%; no homozygotes.

Submission:

PreventionGenetics, part of Exact Sciences
Classification: Uncertain significance for PLXNA4-related condition. Last evaluated: 2026-08-25. Review status: criteria provided, single submitter. Criteria: ACMG Guidelines, 2015. Collection method: clinical testing. Allele origin: germline.
Comment: The PLXNA4 c.905G>A variant is predicted to result in the amino acid substitution p.Arg302His. This variant has been reported in an individual with Parkinson's disease (Supplementary Table S2, Schulte et al. 2013. PubMed ID: 24244438). Of note, another missense variant impacting the same amino acid (p.Arg302Cys) was also reported in an individual with Parkinson's disease (Supplementary Table S2, Schulte et al. 2013. PubMed ID: 24244438). To our knowledge, the c.905G>A (p.Arg302His) variant has not been reported in the literature in association with obesity. This variant is reported in 0.026% of alleles in individuals of European (Non-Finnish) descent in gnomAD. At this time, the clinical significance of this variant is uncertain due to the absence of conclusive functional and genetic evidence.

NM_020911.2(PLXNA4):c.905G>A (p.Arg302His)

Gene: PLXNA4 (plexin A4; minus strand). Cytogenetic location: 7q32.3.
Variant type: single nucleotide variant.
Coding change: c.905G>A on transcript NM_020911.2 (MANE Select); coding-DNA position 905, G replaced by A.
Protein change: p.Arg302His; replaces arginine 302 with histidine.
Molecular consequence: missense variant.
Genome position (GRCh38, 1-based): chr7:132,507,789, C>T on the plus strand (G>A on the coding strand, the complement: PLXNA4 is on the minus strand). VCF-style: chr7-132507789-C-T. GRCh37 (hg19) VCF-style: chr7-132192548-C-T.
Other names: c.905G>A, p.Arg302His (NM_181775.4, NM_001105543.2, NM_001393897.1); short protein forms R302H.
Identifiers: ClinVar variation 3352489 (VCV003352489.2).
Genomic context (GRCh38, chr7:132,507,789, plus strand): 5'-AGCACGGCCCCCGCTTTGGACAGGTAGGCAGCCTGCAGCAGGCGGTACTCCACCCCACTG[C>T]GCTCACAGCCAATGGGCACCTCTACATAGGAGTTGAAGGCTGTGTCCTCCTTGCAAAGCC-3'
Protein context (NP_065962.1, residues 292-312): SYVEVPIGCE[Arg302His]SGVEYRLLQA